The following is an entry in ClinVar:

ClinVar aggregate classification (germline): Likely pathogenic (0 of 4 stars; one submission).

Conditions:
Lysinuric protein intolerance (LPI). Identifiers: Orphanet 470, MedGen C0268647, MONDO:0009109, OMIM 222700.

Submission:

Juha Muilu Group; Institute for Molecular Medicine Finland (FIMM)
Classification: Likely pathogenic for Lysinuric protein intolerance. Review status: no assertion criteria provided. Collection method: not provided. Allele origin: unknown.
Comment: FinDis database variant: This variant was not found or characterized by our laboratory, data were collected from public sources: see reference
ClinVar note: Converted during submission from probable-pathogenic to Likely pathogenic.

NM_003982.4(SLC7A7):c.753G>T (p.Glu251Asp)

Gene: SLC7A7 (solute carrier family 7 member 7; minus strand). Cytogenetic location: 14q11.2.
Variant type: single nucleotide variant.
Coding change: c.753G>T on transcript NM_003982.4 (MANE Select); coding-DNA position 753, G replaced by T.
Protein change: p.Glu251Asp; replaces glutamic acid 251 with aspartic acid.
Molecular consequence: missense variant.
Genome position (GRCh38, 1-based): chr14:22,778,810, C>A on the plus strand (G>T on the coding strand, the complement: SLC7A7 is on the minus strand). VCF-style: chr14-22778810-C-A. GRCh37 (hg19) VCF-style: chr14-23248019-C-A.
Other names: c.753G>T, p.Glu251Asp (NM_001126105.3, NM_001126106.4); short protein forms E251D.
Identifiers: ClinVar variation 56377 (VCV000056377.2), dbSNP rs386833824, ClinGen allele CA263844.
Genomic context (GRCh38, chr14:22,778,810, plus strand): 5'-GATGGCTATCACTGCTATGGAAAGTTGGTGGTGCAGTACCTACCTCTCAGGATTCTTGAT[C>A]TCTTCAGTGACATAGTTGAGGGTGTCCCAGCCTGAGTAGGAGAACAGAGCTGAGTACAGT-3'
Protein context (NP_003973.3, residues 241-261): GWDTLNYVTE[Glu251Asp]IKNPERNLPL